The following is an entry in ClinVar:

ClinVar aggregate classification (germline): Uncertain significance. Review status: criteria provided, multiple submitters, no conflicts (2 of 4 stars). 2 submissions from 2 submitters: Uncertain significance (2). Last evaluated 2022-11-03.

Conditions:
Intellectual developmental disorder, autosomal dominant 6, with or without seizures. Also called: Intellectual disability, autosomal dominant 6; GRIN2B-related developmental delay, intellectual disability and autism spectrum disorder. Identifiers: Orphanet 589547, MedGen C3151411, MONDO:0013509, OMIM 613970.
Developmental and epileptic encephalopathy, 27 (DEE27). Also called: GRIN2B-Related Neurodevelopmental Disorder; Epileptic encephalopathy, early infantile, 27. Identifiers: Orphanet 3451, MedGen C4015316, MONDO:0014505, OMIM 616139.

Allele frequency attached by ClinVar (database versions not stated): gnomAD 0.00001.
gnomAD v4.1: 1 of 1,613,948 alleles (0.000062%); highest among the groups gnomAD compares: African/African-American, 0.0013%; no homozygotes.

Submissions (2):

Labcorp Genetics (formerly Invitae), Labcorp
Classification: Uncertain significance for Developmental and epileptic encephalopathy, 27; Intellectual developmental disorder, autosomal dominant 6, with or without seizures. Last evaluated: 2022-11-03. Review status: criteria provided, single submitter. Criteria: Invitae Variant Classification Sherloc (09022015). Collection method: clinical testing. Allele origin: germline.
Comment: This variant is not present in population databases (gnomAD no frequency). This sequence change replaces glycine, which is neutral and non-polar, with arginine, which is basic and polar, at codon 96 of the GRIN2B protein (p.Gly96Arg). This variant has not been reported in the literature in individuals affected with GRIN2B-related conditions. In summary, the available evidence is currently insufficient to determine the role of this variant in disease. Therefore, it has been classified as a Variant of Uncertain Significance. Advanced modeling of protein sequence and biophysical properties (such as structural, functional, and spatial information, amino acid conservation, physicochemical variation, residue mobility, and thermodynamic stability) performed at Invitae indicates that this missense variant is expected to disrupt GRIN2B protein function. ClinVar contains an entry for this variant (Variation ID: 1319389).

Institute for Clinical Genetics, University Hospital TU Dresden, University Hospital TU Dresden
Classification: Uncertain significance. Last evaluated: 2021-11-03. Review status: criteria provided, single submitter. Criteria: ACMG Guidelines, 2015. Collection method: clinical testing. Allele origin: germline.

NM_000834.5(GRIN2B):c.286G>C (p.Gly96Arg)

Gene: GRIN2B (glutamate ionotropic receptor NMDA type subunit 2B; minus strand). Cytogenetic location: 12p13.1.
Variant type: single nucleotide variant.
Coding change: c.286G>C on transcript NM_000834.5 (MANE Select); coding-DNA position 286, G replaced by C.
Protein change: p.Gly96Arg; replaces glycine 96 with arginine.
Molecular consequence: missense variant.
Genome position (GRCh38, 1-based): chr12:13,865,923, C>G on the plus strand (G>C on the coding strand, the complement: GRIN2B is on the minus strand). VCF-style: chr12-13865923-C-G. GRCh37 (hg19) VCF-style: chr12-14018857-C-G.
Other names: short protein forms G96R.
Identifiers: ClinVar variation 1319389 (VCV001319389.7), dbSNP rs1865819395, ClinGen allele CA384054075.